The following is an entry in ClinVar:

NM_007286.6(SYNPO):c.2147T>G (p.Met716Arg)

Genes: SYNPO (synaptopodin; plus strand), LOC129995010 (ATAC-STARR-seq lymphoblastoid silent region 16515; plus strand). Cytogenetic location: 5q33.1.
Variant type: single nucleotide variant.
Coding change: c.2147T>G on transcript NM_007286.6 (MANE Select); coding-DNA position 2147, T replaced by G.
Protein change: p.Met716Arg; replaces methionine 716 with arginine.
Molecular consequence: missense variant.
Genome position (GRCh38, 1-based): chr5:150,656,522, T>G. VCF-style: chr5-150656522-T-G. GRCh37 (hg19) VCF-style: chr5-150036084-T-G.
Other names: c.2147T>G (NM_007286.5); short protein forms M716R.
Identifiers: ClinVar variation 2061103 (VCV002061103.5), dbSNP rs757848932, ClinGen allele CA129155864.

ClinVar aggregate classification (germline): Uncertain significance. Review status: criteria provided, multiple submitters, no conflicts (2 of 4 stars). 2 submissions from 2 submitters: Uncertain significance (2). Last evaluated 2025-06-12.

Allele frequency attached by ClinVar (database versions not stated): gnomAD 0.00007; TOPMed 0.00008.
gnomAD v4.1: 308 of 1,529,804 alleles (0.02%); highest among the groups gnomAD compares: Non-Finnish European, 0.025%; no homozygotes.

Submissions (2):

Labcorp Genetics (formerly Invitae), Labcorp
Classification: Uncertain significance. Last evaluated: 2025-06-12. Review status: criteria provided, single submitter. Criteria: Invitae Variant Classification Sherloc (09022015). Collection method: clinical testing. Allele origin: germline.
Comment: This sequence change replaces methionine, which is neutral and non-polar, with arginine, which is basic and polar, at codon 716 of the SYNPO protein (p.Met716Arg). This variant is present in population databases (rs757848932, gnomAD 0.02%). This variant has not been reported in the literature in individuals affected with SYNPO-related conditions. ClinVar contains an entry for this variant (Variation ID: 2061103). An algorithm developed to predict the effect of missense changes on protein structure and function (PolyPhen-2) suggests that this variant is likely to be tolerated. In summary, the available evidence is currently insufficient to determine the role of this variant in disease. Therefore, it has been classified as a Variant of Uncertain Significance.

Ambry Genetics
Classification: Uncertain significance. Last evaluated: 2023-01-17. Review status: criteria provided, single submitter. Criteria: Ambry Variant Classification Scheme 2023. Collection method: clinical testing. Allele origin: germline.